The following is an entry in ClinVar:

NM_003413.4(ZIC3):c.109_112del (p.Leu37fs)

Gene: ZIC3 (Zic family zinc finger 3; plus strand). Cytogenetic location: Xq26.3.
Variant type: Deletion.
Coding change: c.109_112del on transcript NM_003413.4 (MANE Select); coding-DNA positions 109 to 112, 4 bases deleted (CTGA; older notation c.109_112delCTGA).
Protein change: p.Leu37fs; shifts the reading frame from leucine 37.
Molecular consequence: frameshift variant.
Genome position (GRCh38, 1-based): chrX:137,566,800-137,566,803, CTGA deleted. VCF-style (leftmost placement, unchanged base first): chrX-137566799-GCTGA-G. GRCh37 (hg19) VCF-style: chrX-136648958-GCTGA-G.
Other names: c.109_112del, p.Leu37fs (NM_001330661.1); short protein forms L37fs.
Identifiers: ClinVar variation 2814022 (VCV002814022.3), dbSNP rs2521147113, ClinGen allele CA2739273788.
Genomic context (GRCh38, chrX:137,566,799, plus strand): 5'-GGGCAGCTTCGGCGCGCCGCGCCACCACGAGATGCCCAACCGTGAGCCGGCAGGCATGGG[GCTGA>G]ATCCCTTCGGGGACTCAACCCACGCCGCCGCCGCCGCCGCCGCCGCCGCTGCCTTCAAGC-3'

ClinVar aggregate classification (germline): Pathogenic (1 of 4 stars; one submission).

Conditions:
Heterotaxy, visceral, 1, X-linked (HTX1). Also called: DEXTROCARDIA WITH OTHER CARDIAC MALFORMATIONS; SITUS INVERSUS, COMPLEX CARDIAC DEFECTS, AND SPLENIC DEFECTS, X-LINKED; Laterality, X-linked; Visceral heterotaxia. Identifiers: Orphanet 450, MedGen C1844020, MONDO:0010607, OMIM 306955.

Submission:

Labcorp Genetics (formerly Invitae), Labcorp
Classification: Pathogenic for Heterotaxy, visceral, 1, X-linked. Last evaluated: 2023-01-12. Review status: criteria provided, single submitter. Criteria: Invitae Variant Classification Sherloc (09022015). Collection method: clinical testing. Allele origin: germline.
Comment: This sequence change creates a premature translational stop signal (p.Leu37Ilefs*21) in the ZIC3 gene. It is expected to result in an absent or disrupted protein product. Loss-of-function variants in ZIC3 are known to be pathogenic (PMID: 24123890). This variant is not present in population databases (gnomAD no frequency). This variant has not been reported in the literature in individuals affected with ZIC3-related conditions. For these reasons, this variant has been classified as Pathogenic.

Literature cited by the submitters: PubMed 24123890.